The following is an entry in ClinVar:

ClinVar aggregate classification (germline): Benign/Likely benign. Review status: criteria provided, multiple submitters, no conflicts (2 of 4 stars). 6 submissions from 5 submitters: Benign (1); Likely benign (5). Last evaluated 2026-07-01.

Conditions:
Warburg micro syndrome 2 (WARBM2). Also called: MICRO SYNDROME 2. Identifiers: Orphanet 2510, MedGen C3280214, MONDO:0013641, OMIM 614225.
Martsolf syndrome (MARTS). Also called: Congenital cataract with intellectual disability and hypogonadotropic hypogonadism syndrome. Identifiers: Orphanet 1387, MedGen C0796037, MONDO:0023910.

Allele frequency attached by ClinVar (database versions not stated): gnomAD exomes 0.00020 and 0.00060; ExAC 0.00076; ESP Exome Variant Server 0.00161; gnomAD 0.00192 and 0.00206; 1000 Genomes Project 30x 0.00219; TOPMed 0.00235; 1000 Genomes Project 0.00240.
gnomAD v4.1: 590 of 1,611,914 alleles (0.037%); highest among the groups gnomAD compares: African/African-American, 0.69%; 1 homozygote.

Submissions (6):

CeGaT Center for Human Genetics Tuebingen
Classification: Likely benign. Last evaluated: 2026-07-01. Review status: criteria provided, single submitter. Criteria: CeGaT Center For Human Genetics Tuebingen Variant Classification Criteria Version 2. Collection method: clinical testing. Allele origin: germline. Affected: yes. Observed: 2 variant alleles.
Comment: RAB3GAP2: BP4, BP7

Labcorp Genetics (formerly Invitae), Labcorp
Classification: Benign for Martsolf syndrome; Warburg micro syndrome 2. Last evaluated: 2026-02-03. Review status: criteria provided, single submitter. Criteria: Invitae Variant Classification Sherloc (09022015). Collection method: clinical testing. Allele origin: germline.

GeneDx
Classification: Likely benign. Last evaluated: 2020-06-30. Review status: criteria provided, single submitter. Criteria: GeneDx Variant Classification Process June 2021. Collection method: clinical testing. Allele origin: germline. Affected: yes.

Illumina Laboratory Services, Illumina
Classification: Likely benign for Martsolf syndrome 1. Last evaluated: 2018-01-13. Review status: criteria provided, single submitter. Criteria: ICSL Variant Classification Criteria 13 December 2019. Collection method: clinical testing. Allele origin: germline.
Comment: This variant was observed in the ICSL laboratory as part of a predisposition screen in an ostensibly healthy population. It had not been previously curated by ICSL or reported in the Human Gene Mutation Database (HGMD: prior to June 1st, 2018), and was therefore a candidate for classification through an automated scoring system. Utilizing variant allele frequency, disease prevalence and penetrance estimates, and inheritance mode, an automated score was calculated to assess if this variant is too frequent to cause the disease. Based on the score and internal cut-off values, a variant classified as likely benign is not then subjected to further curation. The score for this variant resulted in a classification of likely benign for this disease.

Illumina Laboratory Services, Illumina
Classification: Likely benign for Warburg micro syndrome 2. Last evaluated: 2018-01-13. Review status: criteria provided, single submitter. Criteria: ICSL Variant Classification Criteria 13 December 2019. Collection method: clinical testing. Allele origin: germline.
Comment: the same text as in the submission from Illumina Laboratory Services, Illumina above.

Breakthrough Genomics
Classification: Likely benign. Review status: criteria provided, single submitter. Criteria: ACMG Guidelines, 2015. Collection method: not provided. Allele origin: germline. Inheritance: Autosomal recessive inheritance. Affected: yes.

NM_012414.4(RAB3GAP2):c.3966A>G (p.Lys1322=)

Gene: RAB3GAP2 (RAB3 GTPase activating non-catalytic protein subunit 2; minus strand). Cytogenetic location: 1q41.
Variant type: single nucleotide variant.
Coding change: c.3966A>G on transcript NM_012414.4 (MANE Select); coding-DNA position 3966, A replaced by G.
Protein change: p.Lys1322=; no amino-acid change (lysine 1322 retained).
Molecular consequence: synonymous variant.
Genome position (GRCh38, 1-based): chr1:220,151,666, T>C on the plus strand (A>G on the coding strand, the complement: RAB3GAP2 is on the minus strand). VCF-style: chr1-220151666-T-C. GRCh37 (hg19) VCF-style: chr1-220325008-T-C.
Identifiers: ClinVar variation 706153 (VCV000706153.17), dbSNP rs150226729, ClinGen allele CA1401996.